The following is an entry in ClinVar:

NM_006623.4(PHGDH):c.1213A>T (p.Thr405Ser)

Gene: PHGDH (phosphoglycerate dehydrogenase; plus strand). Cytogenetic location: 1p12.
Variant type: single nucleotide variant.
Coding change: c.1213A>T on transcript NM_006623.4 (MANE Select); coding-DNA position 1213, A replaced by T.
Protein change: p.Thr405Ser; replaces threonine 405 with serine.
Molecular consequence: missense variant.
Genome position (GRCh38, 1-based): chr1:119,742,810, A>T. VCF-style: chr1-119742810-A-T. GRCh37 (hg19) VCF-style: chr1-120285433-A-T.
Other names: short protein forms T405S.
Identifiers: ClinVar variation 1931726 (VCV001931726.2), dbSNP rs2464202842, ClinGen allele CA341853388.

ClinVar aggregate classification (germline): Uncertain significance (1 of 4 stars; one submission).

Conditions:
PHGDH deficiency. Identifiers: Orphanet 79351, MedGen C1866174, MONDO:0011152, OMIM 601815.

Submission:

Labcorp Genetics (formerly Invitae), Labcorp
Classification: Uncertain significance for PHGDH deficiency. Last evaluated: 2022-08-19. Review status: criteria provided, single submitter. Criteria: Invitae Variant Classification Sherloc (09022015). Collection method: clinical testing. Allele origin: germline.
Comment: This sequence change replaces threonine, which is neutral and polar, with serine, which is neutral and polar, at codon 405 of the PHGDH protein (p.Thr405Ser). This variant is not present in population databases (gnomAD no frequency). This variant has not been reported in the literature in individuals affected with PHGDH-related conditions. Algorithms developed to predict the effect of missense changes on protein structure and function (SIFT, PolyPhen-2, Align-GVGD) all suggest that this variant is likely to be tolerated. In summary, the available evidence is currently insufficient to determine the role of this variant in disease. Therefore, it has been classified as a Variant of Uncertain Significance.